The following is an entry in ClinVar:

ClinVar aggregate classification (germline): Likely pathogenic (1 of 4 stars; one submission).

Conditions:
Hypertrophic cardiomyopathy 4. Also called: Familial hypertrophic cardiomyopathy 4. Identifiers: MedGen C1861862, MONDO:0007268, OMIM 115197.

Submission:

KardioGenetik, Herz- und Diabeteszentrum NRW
Classification: Likely pathogenic for Hypertrophic cardiomyopathy 4. Last evaluated: 2026-01-28. Review status: criteria provided, single submitter. Criteria: ACMG Guidelines, 2015. Collection method: clinical testing. Allele origin: unknown. Affected: yes. Observed: 1 variant allele.
Comment: The pathogenicity of this variant is supported by its absence from normal population cohorts in the gnomAD database, as well as by the fact that the insertion of two thymine nucleotides after cDNA position 1678 results in a frameshift and the introduction of a premature stop codon after 19 altered amino acids. It can be assumed that the resulting protein, which is shortened by 714 amino acids (if it is expressed at all), is non-functional, as it lacks the region required for myosin and titin binding. Thus, the pathogenic mechanism of haploinsufficiency is fulfilled. No literature describing this variant is currently available. (PVS1, PM2_supporting)

NM_000256.3(MYBPC3):c.1678_1679insTT (p.Asp560fs)

Gene: MYBPC3 (myosin binding protein C3; minus strand). Cytogenetic location: 11p11.2.
Variant type: Insertion.
Coding change: c.1678_1679insTT on transcript NM_000256.3 (MANE Select); coding-DNA positions 1678 to 1679, TT inserted.
Protein change: p.Asp560fs; shifts the reading frame from aspartic acid 560.
Molecular consequence: frameshift variant.
Genome position: GRCh38 VCF-style: chr11-47342102-T-TAA. GRCh37 (hg19) VCF-style: chr11-47363653-T-TAA.
Other names: short protein forms D560fs.
Identifiers: ClinVar variation 4813504 (VCV004813504.1).